The following is an entry in ClinVar:

NM_001005361.3(DNM2):c.*35C>G

Gene: DNM2 (dynamin 2; plus strand). Cytogenetic location: 19p13.2.
Variant type: single nucleotide variant.
Coding change: c.*35C>G on transcript NM_001005361.3 (MANE Select); 35 bases downstream of the stop codon, C replaced by G.
Molecular consequence: 3 prime UTR variant.
Genome position (GRCh38, 1-based): chr19:10,831,082, C>G. VCF-style: chr19-10831082-C-G. GRCh37 (hg19) VCF-style: chr19-10941758-C-G.
Other names: c.*35C>G (NM_001005360.3, NM_001005362.3, NM_001190716.2 and 1 more transcripts).
Identifiers: ClinVar variation 327998 (VCV000327998.5), dbSNP rs199700849, ClinGen allele CA9201696.

ClinVar aggregate classification (germline): Benign. Review status: criteria provided, single submitter (1 of 4 stars). 2 submissions from 1 submitter: Benign (2). Last evaluated 2018-01-13.

Conditions:
Autosomal dominant centronuclear myopathy. Also called: MYOTUBULAR MYOPATHY, AUTOSOMAL DOMINANT; Myopathy, centronuclear, 3. Identifiers: Orphanet 169189, MedGen C4551952, MeSH D020914, MONDO:0008048, OMIM 160150.
Charcot-Marie-Tooth disease dominant intermediate B (CMTDIB). Also called: CHARCOT-MARIE-TOOTH NEUROPATHY, DOMINANT INTERMEDIATE B; Charcot-Marie-Tooth disease dominant intermediate 1; CMT DI1; Charcot-Marie-Tooth disease dominant intermediate I. Identifiers: Orphanet 100044, Orphanet 228179, MedGen C1847902, MONDO:0011674, OMIM 606482.

Allele frequency attached by ClinVar (database versions not stated): 1000 Genomes Project 0.00260; 1000 Genomes Project 30x 0.00281; ESP Exome Variant Server 0.00283; TOPMed 0.00442.
gnomAD v4.1: 1,206 of 1,571,116 alleles (0.077%); highest among the groups gnomAD compares: African/African-American, 1.5%; 14 homozygotes.

Submissions (2):

Illumina Laboratory Services, Illumina
Classification: Benign for Autosomal dominant centronuclear myopathy. Last evaluated: 2018-01-13. Review status: criteria provided, single submitter. Criteria: ICSL Variant Classification Criteria 13 December 2019. Collection method: clinical testing. Allele origin: germline.
Comment: This variant was observed in the ICSL laboratory as part of a predisposition screen in an ostensibly healthy population. It had not been previously curated by ICSL or reported in the Human Gene Mutation Database (HGMD: prior to June 1st, 2018), and was therefore a candidate for classification through an automated scoring system. Utilizing variant allele frequency, disease prevalence and penetrance estimates, and inheritance mode, an automated score was calculated to assess if this variant is too frequent to cause the disease. Based on the score and internal cut-off values, a variant classified as benign is not then subjected to further curation. The score for this variant resulted in a classification of benign for this disease.

Illumina Laboratory Services, Illumina
Classification: Benign for Charcot-Marie-Tooth disease dominant intermediate B. Last evaluated: 2018-01-13. Review status: criteria provided, single submitter. Criteria: ICSL Variant Classification Criteria 13 December 2019. Collection method: clinical testing. Allele origin: germline.
Comment: the same text as in the submission from Illumina Laboratory Services, Illumina above.